The following is an entry in ClinVar:

ClinVar aggregate classification (germline): Conflicting classifications of pathogenicity. Review status: criteria provided, conflicting classifications (1 of 4 stars). 9 submissions from 9 submitters: Uncertain significance (5); Benign (1); Likely benign (2). 1 of the submissions does not count toward it. Last evaluated 2026-01-26.

Conditions:
Inborn genetic diseases. Identifiers: MedGen C0950123, MeSH D030342.
Usher syndrome type 2C. Also called: Usher syndrome, type 2B; USHER SYNDROME, TYPE IIC. Identifiers: Orphanet 231178, Orphanet 886, MedGen C2931213, MONDO:0011558, OMIM 605472.
ADGRV1-related disorder. Also called: ADGRV1-related condition; ADGRV1-related disorders.
Febrile seizures, familial, 4 (FEB4). Also called: CONVULSIONS, FAMILIAL FEBRILE, 4. Identifiers: MedGen C1858493, MONDO:0011443, OMIM 604352.

Allele frequency attached by ClinVar (database versions not stated): TOPMed 0.00014; ExAC 0.00018; gnomAD exomes 0.00025.
gnomAD v4.1: 155 of 1,613,296 alleles (0.0096%); highest among the groups gnomAD compares: Admixed American, 0.098%; no homozygotes.

Submissions (9):

Labcorp Genetics (formerly Invitae), Labcorp
Classification: Benign. Last evaluated: 2026-01-26. Review status: criteria provided, single submitter. Criteria: Invitae Variant Classification Sherloc (09022015). Collection method: clinical testing. Allele origin: germline.

Blueprint Genetics
Classification: Likely benign. Last evaluated: 2024-09-24. Review status: criteria provided, single submitter. Criteria: ACMG Guidelines, 2015. Collection method: clinical testing. Allele origin: germline.

Ambry Genetics
Classification: Uncertain significance for Inborn genetic diseases. Last evaluated: 2021-07-26. Review status: criteria provided, single submitter. Criteria: Ambry Variant Classification Scheme 2023. Collection method: clinical testing. Allele origin: germline.

GeneDx
Classification: Likely benign. Last evaluated: 2020-12-02. Review status: criteria provided, single submitter. Criteria: GeneDx Variant Classification Process June 2021. Collection method: clinical testing. Allele origin: germline. Affected: yes.

Fulgent Genetics
Classification: Uncertain significance for Febrile seizures, familial, 4; Usher syndrome type 2C. Last evaluated: 2018-10-31. Review status: criteria provided, single submitter. Criteria: ACMG Guidelines, 2015. Collection method: clinical testing. Allele origin: unknown.

Athena Diagnostics
Classification: Uncertain significance. Last evaluated: 2018-04-10. Review status: criteria provided, single submitter. Criteria: Athena Diagnostics Criteria. Collection method: clinical testing. Allele origin: germline.

Illumina Laboratory Services, Illumina
Classification: Uncertain significance for Usher syndrome type 2C. Last evaluated: 2018-01-13. Review status: criteria provided, single submitter. Criteria: ICSL Variant Classification Criteria 13 December 2019. Collection method: clinical testing. Allele origin: germline.

Laboratory for Molecular Medicine, Mass General Brigham Personalized Medicine
Classification: Uncertain significance. Last evaluated: 2013-11-06. Review status: criteria provided, single submitter. Criteria: LMM Criteria. Collection method: clinical testing. Allele origin: germline. Observed: 1 variant allele.
Comment: The Arg2625Cys variant in GPR98 has not been previously reported in individuals with hearing loss, but has been identified in 0.2% (1/574) of European chromosom es by the ClinSeq Project (dbSNP rs201583659). Computational analyses (biochemic al amino acid properties, conservation, AlignGVGD, PolyPhen2, and SIFT) do not p rovide strong support for or against an impact to the protein. In summary, addit ional data is needed to determine the clinical significance of this variant.

PreventionGenetics, part of Exact Sciences
Classification: Likely benign for ADGRV1-related condition. Last evaluated: 2022-08-19. Review status: no assertion criteria provided. Collection method: clinical testing. Allele origin: germline. Not counted in ClinVar's aggregate classification.
Comment: This variant is classified as likely benign based on ACMG/AMP sequence variant interpretation guidelines (Richards et al. 2015 PMID: 25741868, with internal and published modifications).

NM_032119.4(ADGRV1):c.7873C>T (p.Arg2625Cys)

Gene: ADGRV1 (adhesion G protein-coupled receptor V1; plus strand). Cytogenetic location: 5q14.3.
Variant type: single nucleotide variant.
Coding change: c.7873C>T on transcript NM_032119.4 (MANE Select); coding-DNA position 7873, C replaced by T.
Protein change: p.Arg2625Cys; replaces arginine 2625 with cysteine.
Molecular consequence: missense variant. On other transcripts: non-coding transcript variant (1).
Genome position (GRCh38, 1-based): chr5:90,694,629, C>T. VCF-style: chr5-90694629-C-T. GRCh37 (hg19) VCF-style: chr5-89990446-C-T.
Other names: short protein forms R2625C.
Identifiers: ClinVar variation 178958 (VCV000178958.24), dbSNP rs201583659, ClinGen allele CA183383.